The following is an entry in ClinVar:

NM_000059.4(BRCA2):c.24_25delinsTT (p.Arg8_Pro9delinsSerSer)

Gene: BRCA2 (BRCA2 DNA repair associated; plus strand). Cytogenetic location: 13q13.1.
Variant type: Indel.
Coding change: c.24_25delinsTT on transcript NM_000059.4 (MANE Select); coding-DNA positions 24 to 25, GC replaced by TT.
Protein change: p.Arg8_Pro9delinsSerSer.
Molecular consequence: missense variant.
Genome position (GRCh38, 1-based): chr13:32,316,484-32,316,485, GC replaced by TT. VCF-style: chr13-32316484-GC-TT. GRCh37 (hg19) VCF-style: chr13-32890621-GC-TT.
Other names: c.24_25delGCinsTT, p.Arg8_Pro9delinsSerSer (NM_000059.3, NM_001406719.1, NM_001406720.1 and 1 more transcripts).
Identifiers: ClinVar variation 1722494 (VCV001722494.1), dbSNP rs2548509741, ClinGen allele CA2580086944.

ClinVar aggregate classification (germline): Uncertain significance (1 of 4 stars; one submission).

Submission:

Women's Health and Genetics/Laboratory Corporation of America, LabCorp
Classification: Uncertain significance. Last evaluated: 2022-09-26. Review status: criteria provided, single submitter. Criteria: LabCorp Variant Classification Summary - May 2015. Collection method: clinical testing. Allele origin: germline.
Comment: Variant summary: BRCA2 c.24_25delinsTT (p.Arg8_Pro9delinsSerSer) results in an in-frame deletion-insertion that is predicted to delete/insert 2 amino acids from the protein and thus cause changes to both of these amino acids. The variant was absent in 251392 control chromosomes. The available data on variant occurrences in the general population are insufficient to allow any conclusion about variant significance. To our knowledge, no occurrence of c.24_25delinsTT in individuals affected with Hereditary Breast And Ovarian Cancer Syndrome and no experimental evidence demonstrating its impact on protein function have been reported. No clinical diagnostic laboratories have submitted clinical-significance assessments for this variant to ClinVar after 2014. Based on the evidence outlined above, the variant was classified as uncertain significance.